The following is an entry in ClinVar:

ClinVar aggregate classification (germline): Likely benign. Review status: criteria provided, multiple submitters, no conflicts (2 of 4 stars). 2 submissions from 2 submitters: Likely benign (2). Last evaluated 2026-01-19.

Conditions:
Niemann-Pick disease, type C1. Also called: NIEMANN-PICK DISEASE, VARIANT TYPE C1; NEUROVISCERAL STORAGE DISEASE WITH VERTICAL SUPRANUCLEAR OPHTHALMOPLEGIA; NIEMANN-PICK DISEASE WITH CHOLESTEROL ESTERIFICATION BLOCK; NIEMANN-PICK DISEASE WITHOUT SPHINGOMYELINASE DEFICIENCY; NIEMANN-PICK DISEASE, CHRONIC NEURONOPATHIC FORM. Identifiers: Orphanet 646, MedGen C3179455, MONDO:0009757, OMIM 257220.
NPC1-related disorder. Also called: NPC1-related condition.

Allele frequency attached by ClinVar (database versions not stated): gnomAD exomes 0.00004; ExAC 0.00006; gnomAD 0.00006 and 0.00007; TOPMed 0.00012; 1000 Genomes Project 30x 0.00047; 1000 Genomes Project 0.00060.
gnomAD v4.1: 24 of 1,611,620 alleles (0.0015%); highest among the groups gnomAD compares: African/African-American, 0.027%; no homozygotes.

Submissions (2):

Labcorp Genetics (formerly Invitae), Labcorp
Classification: Likely benign for Niemann-Pick disease, type C1. Last evaluated: 2026-01-19. Review status: criteria provided, single submitter. Criteria: Invitae Variant Classification Sherloc (09022015). Collection method: clinical testing. Allele origin: germline.

PreventionGenetics, part of Exact Sciences
Classification: Likely benign for NPC1-related condition. Last evaluated: 2025-08-13. Review status: criteria provided, single submitter. Criteria: ACMG Guidelines, 2015. Collection method: clinical testing. Allele origin: germline.
Comment: This variant is classified as likely benign based on ACMG/AMP sequence variant interpretation guidelines (Richards et al. 2015 PMID: 25741868, with internal and published modifications).

NM_000271.5(NPC1):c.1837C>T (p.Leu613=)

Gene: NPC1 (NPC intracellular cholesterol transporter 1; minus strand). Cytogenetic location: 18q11.2.
Variant type: single nucleotide variant.
Coding change: c.1837C>T on transcript NM_000271.5 (MANE Select); coding-DNA position 1837, C replaced by T.
Protein change: p.Leu613=; no amino-acid change (leucine 613 retained).
Molecular consequence: synonymous variant.
Genome position (GRCh38, 1-based): chr18:23,545,070, G>A on the plus strand (C>T on the coding strand, the complement: NPC1 is on the minus strand). VCF-style: chr18-23545070-G-A. GRCh37 (hg19) VCF-style: chr18-21125034-G-A.
Other names: c.1837C>T (NM_000271.4).
Identifiers: ClinVar variation 1140112 (VCV001140112.10), dbSNP rs147281003, ClinGen allele CA8913362.